The following is an entry in ClinVar:

ClinVar aggregate classification (germline): Uncertain significance (1 of 4 stars; one submission).

Allele frequency attached by ClinVar (database versions not stated): gnomAD exomes below 0.00001.
gnomAD v4.1: 1 of 1,614,008 alleles (0.000062%); highest among the groups gnomAD compares: Middle Eastern, 0.016%; no homozygotes.

Submission:

CeGaT Center for Human Genetics Tuebingen
Classification: Uncertain significance. Last evaluated: 2022-05-01. Review status: criteria provided, single submitter. Criteria: CeGaT Center For Human Genetics Tuebingen Variant Classification Criteria Version 2. Collection method: clinical testing. Allele origin: germline. Affected: yes. Observed: 1 variant allele.
Comment: MACF1: PM2

NM_001394062.1(MACF1):c.2762A>G (p.Asn921Ser)

Gene: MACF1 (microtubule actin crosslinking factor 1; plus strand). Cytogenetic location: 1p34.3.
Variant type: single nucleotide variant.
Coding change: c.2762A>G on transcript NM_001394062.1 (MANE Select); coding-DNA position 2762, A replaced by G.
Protein change: p.Asn921Ser; replaces asparagine 921 with serine.
Molecular consequence: missense variant.
Genome position (GRCh38, 1-based): chr1:39,303,051, A>G. VCF-style: chr1-39303051-A-G. GRCh37 (hg19) VCF-style: chr1-39768723-A-G.
Other names: c.2777A>G, p.Asn926Ser (NM_012090.5); short protein forms N921S, N926S.
Identifiers: ClinVar variation 2638692 (VCV002638692.24), dbSNP rs2521626852, ClinGen allele CA339774875.